The following is an entry in ClinVar:

ClinVar aggregate classification (germline): Benign/Likely benign. Review status: criteria provided, multiple submitters, no conflicts (2 of 4 stars). 15 submissions from 14 submitters: Benign (9); Likely benign (2). 4 of the submissions do not count toward it. Last evaluated 2026-09-01.

Conditions:
RYR1-related disorder. Also called: RYR1-related disorders; RYR1-related condition. Identifiers: MedGen CN239331.
Congenital multicore myopathy with external ophthalmoplegia (CMYO1B). Also called: Congenital myopathy 1B, autosomal recessive; Minicore myopathy; MULTICORE MYOPATHY; MULTIMINICORE DISEASE WITH EXTERNAL OPHTHALMOPLEGIA; Minicore myopathy with external ophthalmoplegia. Identifiers: Orphanet 598, Orphanet 98905, MedGen C1850674, MONDO:0009712, OMIM 255320, HP:0003789.
Malignant hyperthermia, susceptibility to, 1 (MHS1). Also called: Malignant hyperthermia suceptibility 1; Anesthesia related hyperthermia; Malignant hyperpyrexia; Fulminating hyperpyrexia; Pharmacogenic myopathy; RYR1-Related Malignant Hyperthermia Susceptibility. Identifiers: Orphanet 423, MedGen C2930980, MONDO:0007783, OMIM 145600.

Allele frequency attached by ClinVar (database versions not stated): 1000 Genomes Project 30x 0.00547; 1000 Genomes Project 0.00559; gnomAD exomes 0.00717; ESP Exome Variant Server 0.00823; gnomAD 0.00843 and 0.00875; TOPMed 0.00875; ExAC 0.00993.
gnomAD v4.1: 18,084 of 1,587,772 alleles (1.1%); highest among the groups gnomAD compares: Non-Finnish European, 1.4%; 144 homozygotes.

Submissions (15):

CeGaT Center for Human Genetics Tuebingen
Classification: Benign. Last evaluated: 2026-09-01. Review status: criteria provided, single submitter. Criteria: CeGaT Center For Human Genetics Tuebingen Variant Classification Criteria Version 2. Collection method: clinical testing. Allele origin: germline. Affected: yes. Observed: 78 variant alleles.
Comment: RYR1: BP4, BS1, BS2

Labcorp Genetics (formerly Invitae), Labcorp
Classification: Benign for RYR1-related disorder. Last evaluated: 2026-02-03. Review status: criteria provided, single submitter. Criteria: Invitae Variant Classification Sherloc (09022015). Collection method: clinical testing. Allele origin: germline.

Blueprint Genetics
Classification: Likely benign. Last evaluated: 2024-11-28. Review status: criteria provided, single submitter. Criteria: ACMG Guidelines, 2015. Collection method: clinical testing. Allele origin: germline.

ARUP Laboratories, Molecular Genetics and Genomics, ARUP Laboratories
Classification: Benign. Last evaluated: 2023-10-03. Review status: criteria provided, single submitter. Criteria: ARUP Molecular Germline Variant Investigation Process 2024. Collection method: clinical testing. Allele origin: germline.

Mayo Clinic Laboratories, Mayo Clinic
Classification: Benign. Last evaluated: 2023-05-08. Review status: criteria provided, single submitter. Criteria: ACMG Guidelines, 2015. Collection method: clinical testing. Allele origin: germline. Observed: 12 variant alleles.

Illumina Laboratory Services, Illumina
Classification: Benign for Malignant hyperthermia, susceptibility to, 1. Last evaluated: 2018-01-13. Review status: criteria provided, single submitter. Criteria: ICSL Variant Classification Criteria 13 December 2019. Collection method: clinical testing. Allele origin: germline.
Comment: This variant was observed in the ICSL laboratory as part of a predisposition screen in an ostensibly healthy population. It had not been previously curated by ICSL or reported in the Human Gene Mutation Database (HGMD: prior to June 1st, 2018), and was therefore a candidate for classification through an automated scoring system. Utilizing variant allele frequency, disease prevalence and penetrance estimates, and inheritance mode, an automated score was calculated to assess if this variant is too frequent to cause the disease. Based on the score and internal cut-off values, a variant classified as benign is not then subjected to further curation. The score for this variant resulted in a classification of benign for this disease.

Illumina Laboratory Services, Illumina
Classification: Benign for Congenital multicore myopathy with external ophthalmoplegia. Last evaluated: 2018-01-13. Review status: criteria provided, single submitter. Criteria: ICSL Variant Classification Criteria 13 December 2019. Collection method: clinical testing. Allele origin: germline.
Comment: the same text as in the submission from Illumina Laboratory Services, Illumina above.

PreventionGenetics, part of Exact Sciences
Classification: Benign. Last evaluated: 2016-07-27. Review status: criteria provided, single submitter. Criteria: ACMG Guidelines, 2015. Collection method: clinical testing. Allele origin: germline.

GeneDx
Classification: Benign. Last evaluated: 2016-05-05. Review status: criteria provided, single submitter. Criteria: GeneDx Variant Classification (06012015). Collection method: clinical testing. Allele origin: germline. Affected: yes.
Comment: This variant is considered likely benign or benign based on one or more of the following criteria: it is a conservative change, it occurs at a poorly conserved position in the protein, it is predicted to be benign by multiple in silico algorithms, and/or has population frequency not consistent with disease.

Eurofins Ntd Llc (ga)
Classification: Benign. Last evaluated: 2013-11-25. Review status: criteria provided, single submitter. Criteria: EGL Classification Definitions 2015. Collection method: clinical testing. Allele origin: germline. Observed: 1 variant allele, 1 heterozygote.

Breakthrough Genomics
Classification: Likely benign. Review status: criteria provided, single submitter. Criteria: ACMG Guidelines, 2015. Collection method: not provided. Allele origin: germline. Inheritance: Autosomal recessive inheritance. Affected: yes.

Genetic Services Laboratory, University of Chicago
Classification: Likely benign. Review status: no assertion criteria provided. Collection method: clinical testing. Allele origin: germline. Inheritance: Autosomal unknown. Not counted in ClinVar's aggregate classification.
Comment: Likely benign based on allele frequency in 1000 Genomes Project or ESP global frequency and its presence in a patient with a rare or unrelated disease phenotype. NOT Sanger confirmed

Genome Diagnostics Laboratory, University Medical Center Utrecht
Classification: Likely benign. Review status: no assertion criteria provided. Collection method: clinical testing. Allele origin: germline. Affected: yes. Study: VKGL Data-share Consensus. Not counted in ClinVar's aggregate classification.

Joint Genome Diagnostic Labs from Nijmegen and Maastricht, Radboudumc and MUMC+
Classification: Benign. Review status: no assertion criteria provided. Collection method: clinical testing. Allele origin: germline. Affected: yes. Study: VKGL Data-share Consensus. Not counted in ClinVar's aggregate classification.

Laboratory of Diagnostic Genome Analysis, Leiden University Medical Center (LUMC)
Classification: Likely benign. Review status: no assertion criteria provided. Collection method: clinical testing. Allele origin: germline. Affected: yes. Study: VKGL Data-share Consensus. Not counted in ClinVar's aggregate classification.

NM_000540.3(RYR1):c.10259+7G>A

Gene: RYR1 (ryanodine receptor 1; plus strand). Cytogenetic location: 19q13.2.
Variant type: single nucleotide variant.
Coding change: c.10259+7G>A on transcript NM_000540.3 (MANE Select); 7 bases into the intron after coding-DNA position 10259, G replaced by A.
Molecular consequence: intron variant.
Genome position (GRCh38, 1-based): chr19:38,519,461, G>A. VCF-style: chr19-38519461-G-A. GRCh37 (hg19) VCF-style: chr19-39010101-G-A.
Other names: p.?; c.10259+7G>A (NM_001042723.2).
Identifiers: ClinVar variation 159826 (VCV000159826.61), dbSNP rs143752962, ClinGen allele CA023830.
Genomic context (GRCh38, chr19:38,519,461, plus strand): 5'-CCGGGACCTCTACGCCCTGTATCCGCTGCTCATCCGCTACGTGGACAACAACAGGTCAGC[G>A]GGGCCCCGCTGTCCCCATGCCCTCCGCCCCGACCTCCCACGTCCTCCAGCCCCATCTGAT-3'